The following is an entry in ClinVar:

NM_001364905.1(LRBA):c.2672A>G (p.Tyr891Cys)

Gene: LRBA (LPS responsive beige-like anchor protein; minus strand). Cytogenetic location: 4q31.3.
Variant type: single nucleotide variant.
Coding change: c.2672A>G on transcript NM_001364905.1 (MANE Select); coding-DNA position 2672, A replaced by G.
Protein change: p.Tyr891Cys; replaces tyrosine 891 with cysteine.
Molecular consequence: missense variant.
Genome position (GRCh38, 1-based): chr4:150,867,765, T>C on the plus strand (A>G on the coding strand, the complement: LRBA is on the minus strand). VCF-style: chr4-150867765-T-C. GRCh37 (hg19) VCF-style: chr4-151788917-T-C.
Other names: c.2672A>G, p.Tyr891Cys (NM_001199282.3, NM_001367550.1, NM_006726.5); short protein forms Y891C.
Identifiers: ClinVar variation 1025657 (VCV001025657.8), dbSNP rs368889016, ClinGen allele CA107830716.

ClinVar aggregate classification (germline): Uncertain significance (1 of 4 stars; one submission).

Conditions:
Combined immunodeficiency due to LRBA deficiency. Also called: Common variable immunodeficiency 8, with autoimmunity. Identifiers: Orphanet 445018, MedGen C3553512, MONDO:0013863, OMIM 614700.

Allele frequency attached by ClinVar (database versions not stated): gnomAD exomes below 0.00001; TOPMed 0.00001; ESP Exome Variant Server 0.00008.
gnomAD v4.1: 3 of 1,613,848 alleles (0.00019%); highest among the groups gnomAD compares: Non-Finnish European, 0.00025%; no homozygotes.

Submission:

Labcorp Genetics (formerly Invitae), Labcorp
Classification: Uncertain significance for Combined immunodeficiency due to LRBA deficiency. Last evaluated: 2020-03-18. Review status: criteria provided, single submitter. Criteria: Invitae Variant Classification Sherloc (09022015). Collection method: clinical testing. Allele origin: germline.
Comment: This sequence change replaces tyrosine with cysteine at codon 891 of the LRBA protein (p.Tyr891Cys). The tyrosine residue is moderately conserved and there is a large physicochemical difference between tyrosine and cysteine. This variant is not present in population databases (ExAC no frequency). This variant has not been reported in the literature in individuals with LRBA-related conditions. Algorithms developed to predict the effect of missense changes on protein structure and function are either unavailable or do not agree on the potential impact of this missense change (SIFT: "Deleterious"; PolyPhen-2: "Probably Damaging"; Align-GVGD: "Class C0"). Algorithms developed to predict the effect of sequence changes on RNA splicing suggest that this variant may create or strengthen a splice site, but this prediction has not been confirmed by published transcriptional studies. In summary, the available evidence is currently insufficient to determine the role of this variant in disease. Therefore, it has been classified as a Variant of Uncertain Significance.